The following is an entry in ClinVar:

NM_000059.4(BRCA2):c.5593dup (p.Ile1865fs)

Gene: BRCA2 (BRCA2 DNA repair associated; plus strand). Cytogenetic location: 13q13.1.
Variant type: Duplication.
Coding change: c.5593dup on transcript NM_000059.4 (MANE Select); coding-DNA position 5593, one base duplicated (A; older notation c.5593dupA).
Protein change: p.Ile1865fs; shifts the reading frame from isoleucine 1865.
Molecular consequence: frameshift variant.
Genome position (GRCh38, 1-based): chr13:32,339,948, A duplicated. VCF-style (leftmost placement, unchanged base first): chr13-32339947-C-CA. GRCh37 (hg19) VCF-style: chr13-32914084-C-CA.
Other names: short protein forms I1865fs.
Identifiers: ClinVar variation 1050639 (VCV001050639.2), dbSNP rs2137518942, ClinGen allele CA2499222204.

ClinVar aggregate classification (germline): Pathogenic (0 of 4 stars; one submission).

Conditions:
Malignant tumor of breast. Also called: Malignant breast neoplasm; Cancer breast. Identifiers: MedGen C0006142, MONDO:0007254. Disease mechanism: loss of function.

Submission:

Department of Pathology and Laboratory Medicine, Sinai Health System
Classification: Pathogenic for Malignant tumor of breast. Review status: no assertion criteria provided. Collection method: clinical testing. Allele origin: unknown. Affected: yes. Study: The Canadian Open Genetics Repository (COGR).
Comment: The BRCA2 p.Ile1865Asnfs*8 variant was not identified in the literature nor was it identified in the dbSNP, ClinVar, LOVD 3.0, UMD-LSDB, the Exome Aggregation Consortium (August 8th 2016) or the Genome Aggregation Database (Feb 27, 2017). The c.5593dup variant is predicted to cause a frameshift, which alters the protein's amino acid sequence beginning at codon 1865 and leads to a premature stop codon at position 1872. This alteration is then predicted to result in a truncated or absent protein and loss of function. Loss of function variants of the BRCA2 gene are an established mechanism of disease in hereditary breast and ovarian cancer syndrome (HBOC) and is the type of variant expected to cause the disorder. In summary, based on the above information, this variant meets our laboratoryâ€šÃ„Ã´s criteria to be classified as pathogenic.